The following is an entry in ClinVar:

ClinVar aggregate classification (germline): Pathogenic (1 of 4 stars; one submission).

Submission:

Quest Diagnostics Nichols Institute San Juan Capistrano
Classification: Pathogenic. Last evaluated: 2022-07-11. Review status: criteria provided, single submitter. Criteria: ACMG/ClinGen CNV Guidelines, 2019. Collection method: clinical testing. Allele origin: unknown.
Comment: The copy number loss of 2q22.3q23.3 involves multiple protein-coding genes, including MBD5 (OMIM 611472), KIF5C (OMIM 604593), and multiple exons (NM_000726.5) of the 3' portion of CANCB4 (OMIM 601949). Haploinsufficiency of MBD5 is associated with autosomal dominant intellectual developmental disorder-1 (MRD1; OMIM 156200), also known as chromosome 2q23.1 deletion syndrome or MBD5-associated neurodevelopmental disorder (MAND; Hodge 2014, Myers 2021, Tadros 2017). There are no similar copy number losses of this region in the general populations of the Database of Genomic Variant. Therefore, this copy number variant (CNV) is classified as pathogenic. References Hodge et al., Mol Psychiatry. 2014 Mar;19(3):368-79. PMID: 23587880 Myers et al., Neurol Genet. 2021 Mar 18;7(2):e579. PMID: 33912662 Tadros et al., Mol Genet Genomic Med. 2017 Aug 8;5(5):608-613. PMID: 28944244

GRCh37/hg19 2q22.3-23.3(chr2:148406827-152954124)x1

Genes: ACVR2A (activin A receptor type 2A; plus strand), ARL5A (ARF like GTPase 5A; minus strand), CACNB4 (calcium voltage-gated channel auxiliary subunit beta 4; minus strand), EPC2 (enhancer of polycomb 2; plus strand), LYPD6 (LY6/PLAUR domain containing 6; plus strand) and 10 more. Cytogenetic location: 2q22.3-23.3.
Variant type: copy number loss.
Change: copy number 1 (one copy instead of two) of chr2:148,406,827-152,954,124 (4.55 Mb, GRCh37 coordinates, 1-based), cytogenetic band 2q22.3-23.3.
Identifiers: ClinVar variation 2684742 (VCV002684742.1).